The following is an entry in ClinVar:

NM_004329.3(BMPR1A):c.1570A>G (p.Met524Val)

Gene: BMPR1A (bone morphogenetic protein receptor type 1A; plus strand). Cytogenetic location: 10q23.2.
Variant type: single nucleotide variant.
Coding change: c.1570A>G on transcript NM_004329.3 (MANE Select); coding-DNA position 1570, A replaced by G.
Protein change: p.Met524Val; replaces methionine 524 with valine.
Molecular consequence: missense variant.
Genome position (GRCh38, 1-based): chr10:86,923,690, A>G. VCF-style: chr10-86923690-A-G. GRCh37 (hg19) VCF-style: chr10-88683447-A-G.
Other names: short protein forms M524V.
Identifiers: ClinVar variation 629025 (VCV000629025.19), dbSNP rs747640982, ClinGen allele CA377463997.
Genomic context (GRCh38, chr10:86,923,690, plus strand): 5'-TGGGCCCACAATCCAGCCTCCAGACTCACAGCATTGAGAATTAAGAAGACGCTTGCCAAG[A>G]TGGTTGAATCCCAAGATGTAAAAATCTGATGGTTAAACCATCGGAGGAGAAACTCTAGAC-3'
Protein context (NP_004320.2, residues 514-532): ALRIKKTLAK[Met524Val]VESQDVKI

ClinVar aggregate classification (germline): Uncertain significance. Review status: criteria provided, multiple submitters, no conflicts (2 of 4 stars). 4 submissions from 4 submitters: Uncertain significance (4). Last evaluated 2024-05-01.

Conditions:
Juvenile polyposis syndrome (JPS). Identifiers: Orphanet 2929, MedGen C0345893, MONDO:0017380, OMIM 174900.
Hereditary cancer-predisposing syndrome. Also called: Tumor predisposition; Neoplastic Syndromes, Hereditary; Hereditary Cancer Syndrome; Hereditary neoplastic syndrome. Identifiers: Orphanet 140162, MedGen C0027672, MeSH D009386, MONDO:0015356.

Allele frequency attached by ClinVar (database versions not stated): gnomAD below 0.00001 and 0.00001.
gnomAD v4.1: 4 of 1,613,964 alleles (0.00025%); highest among the groups gnomAD compares: South Asian, 0.0022%; no homozygotes.

Submissions (4):

Ambry Genetics
Classification: Uncertain significance for Hereditary cancer-predisposing syndrome. Last evaluated: 2024-05-01. Review status: criteria provided, single submitter. Criteria: Ambry Variant Classification Scheme 2023. Collection method: clinical testing. Allele origin: germline.
Comment: The p.M524V variant (also known as c.1570A>G), located in coding exon 11 of the BMPR1A gene, results from an A to G substitution at nucleotide position 1570. The methionine at codon 524 is replaced by valine, an amino acid with highly similar properties. This amino acid position is highly conserved in available vertebrate species. In addition, this alteration is predicted to be deleterious by in silico analysis. Based on the available evidence, the clinical significance of this variant remains unclear.

Color Diagnostics, LLC DBA Color Health
Classification: Uncertain significance for Hereditary cancer-predisposing syndrome. Last evaluated: 2024-03-06. Review status: criteria provided, single submitter. Criteria: ACMG Guidelines, 2015. Collection method: clinical testing. Allele origin: germline.
Comment: This missense variant replaces methionine with valine at codon 524 of the BMPR1A protein. Computational prediction suggests that this variant may have deleterious impact on protein structure and function (internally defined REVEL score threshold >= 0.7, PMID: 27666373). To our knowledge, functional studies have not been reported for this variant. This variant has not been reported in individuals affected with BMPR1A-related disorders in the literature. This variant has not been identified in the general population by the Genome Aggregation Database (gnomAD). The available evidence is insufficient to determine the role of this variant in disease conclusively. Therefore, this variant is classified as a Variant of Uncertain Significance.

All of Us Research Program, National Institutes of Health
Classification: Uncertain significance for Juvenile polyposis syndrome. Last evaluated: 2023-11-02. Review status: criteria provided, single submitter. Criteria: ACMG Guidelines, 2015. Collection method: clinical testing. Allele origin: germline. Inheritance: Autosomal dominant inheritance. Observed: 1 variant allele, 1 heterozygote.
Comment: This missense variant replaces methionine with valine at codon 524 of the BMPR1A protein. Computational prediction suggests that this variant may have deleterious impact on protein structure and function (internally defined REVEL score threshold >= 0.7, PMID: 27666373). To our knowledge, functional studies have not been reported for this variant. This variant has not been reported in individuals affected with BMPR1A-related disorders in the literature. This variant has not been identified in the general population by the Genome Aggregation Database (gnomAD). The available evidence is insufficient to determine the role of this variant in disease conclusively. Therefore, this variant is classified as a Variant of Uncertain Significance.

This study involves interpretation of variants in research participants for the purpose of population health screening. Participant phenotype was not available at the time of variant classification. Additional details can be found in publication PMID: 35346344, PMCID: PMC8962531

Labcorp Genetics (formerly Invitae), Labcorp
Classification: Uncertain significance for Juvenile polyposis syndrome. Last evaluated: 2023-03-07. Review status: criteria provided, single submitter. Criteria: Invitae Variant Classification Sherloc (09022015). Collection method: clinical testing. Allele origin: germline.
Comment: In summary, the available evidence is currently insufficient to determine the role of this variant in disease. Therefore, it has been classified as a Variant of Uncertain Significance. Advanced modeling of protein sequence and biophysical properties (such as structural, functional, and spatial information, amino acid conservation, physicochemical variation, residue mobility, and thermodynamic stability) has been performed at Invitae for this missense variant, however the output from this modeling did not meet the statistical confidence thresholds required to predict the impact of this variant on BMPR1A protein function. ClinVar contains an entry for this variant (Variation ID: 629025). This variant has not been reported in the literature in individuals affected with BMPR1A-related conditions. This variant is not present in population databases (gnomAD no frequency). This sequence change replaces methionine, which is neutral and non-polar, with valine, which is neutral and non-polar, at codon 524 of the BMPR1A protein (p.Met524Val).